The following is an entry in ClinVar:

NM_000062.3(SERPING1):c.115del (p.Asp39fs)

Gene: SERPING1 (serpin family G member 1; plus strand). Cytogenetic location: 11q12.1.
Variant type: Deletion.
Coding change: c.115del on transcript NM_000062.3 (MANE Select); coding-DNA position 115, one base deleted (G; older notation c.115delG).
Protein change: p.Asp39fs; shifts the reading frame from aspartic acid 39.
Molecular consequence: frameshift variant.
Genome position (GRCh38, 1-based): chr11:57,599,942, G deleted. VCF-style (leftmost placement, unchanged base first): chr11-57599941-AG-A. GRCh37 (hg19) VCF-style: chr11-57367414-AG-A.
Other names: c.115del, p.Asp39fs (NM_001032295.2); short protein forms D39fs.
Identifiers: ClinVar variation 3255512 (VCV003255512.2), dbSNP rs2495425169.

ClinVar aggregate classification (germline): Pathogenic (1 of 4 stars; one submission).

Conditions:
Hereditary angioedema type 1 (HAE1). Identifiers: Orphanet 100050, Orphanet 100051, Orphanet 91378, MedGen C2717906, MONDO:0015053, OMIM 106100.

Submission:

DNA-diagnostics Laboratory, Research Centre For Medical Genetics
Classification: Pathogenic for Hereditary angioedema type 1. Last evaluated: 2024-07-24. Review status: criteria provided, single submitter. Criteria: ACMG Guidelines, 2015. Collection method: research. Allele origin: germline. Inheritance: Autosomal dominant inheritance. Affected: yes. Observed: 2 variant alleles, 2 heterozygotes.
Comment: The c.115del variant in SERPING1 meets ACMG/ClinGen SVI guidance criteria to be classified as pathogenic: PVS1, PP4_Str, PM2_Sup, PP1